The following is an entry in ClinVar:

ClinVar aggregate classification (germline): Benign. Review status: criteria provided, single submitter (1 of 4 stars). 2 submissions from 2 submitters: Benign (1). 1 of the submissions does not count toward it. Last evaluated 2018-07-31.

Conditions:
LRIG1-related disorder. Also called: LRIG1-related condition.

Allele frequency attached by ClinVar (database versions not stated): ESP Exome Variant Server 0.00577; TOPMed 0.00586; 1000 Genomes Project 0.00719; 1000 Genomes Project 30x 0.00781.
gnomAD v4.1: 1,798 of 1,614,196 alleles (0.11%); highest among the groups gnomAD compares: African/African-American, 1.7%; 10 homozygotes.

Submissions (2):

Labcorp Genetics (formerly Invitae), Labcorp
Classification: Benign. Last evaluated: 2018-07-31. Review status: criteria provided, single submitter. Criteria: Invitae Variant Classification Sherloc (09022015). Collection method: clinical testing. Allele origin: germline.

PreventionGenetics, part of Exact Sciences
Classification: Benign for LRIG1-related condition. Last evaluated: 2019-10-28. Review status: no assertion criteria provided. Collection method: clinical testing. Allele origin: germline. Not counted in ClinVar's aggregate classification.
Comment: This variant is classified as benign based on ACMG/AMP sequence variant interpretation guidelines (Richards et al. 2015 PMID: 25741868, with internal and published modifications).

NM_015541.3(LRIG1):c.2597A>G (p.Asn866Ser)

Gene: LRIG1 (leucine rich repeats and immunoglobulin like domains 1; minus strand). Cytogenetic location: 3p14.1.
Variant type: single nucleotide variant.
Coding change: c.2597A>G on transcript NM_015541.3 (MANE Select); coding-DNA position 2597, A replaced by G.
Protein change: p.Asn866Ser; replaces asparagine 866 with serine.
Molecular consequence: missense variant.
Genome position (GRCh38, 1-based): chr3:66,382,293, T>C on the plus strand (A>G on the coding strand, the complement: LRIG1 is on the minus strand). VCF-style: chr3-66382293-T-C. GRCh37 (hg19) VCF-style: chr3-66432717-T-C.
Other names: c.2522A>G, p.Asn841Ser (NM_001377344.1); c.1817A>G, p.Asn606Ser (NM_001377345.1, NM_001377346.1); c.1595A>G, p.Asn532Ser (NM_001377347.1); c.1568A>G, p.Asn523Ser (NM_001377348.1); c.1313A>G, p.Asn438Ser (NM_001377349.1); short protein forms N866S, N438S, N523S, N532S, N606S, N841S.
Identifiers: ClinVar variation 775883 (VCV000775883.5), dbSNP rs148946048, ClinGen allele CA2484290.
Genomic context (GRCh38, chr3:66,382,293, plus strand): 5'-GTCACAGCAGAGCTCTGCTTCACAGTTACTGAGGCCTTACCATTGCTCTCAATGTGCCCA[T>C]TGGCCTGAGGGCCACCCTCGGTCCTGACCACGGTTTCTTGTCGGTCAGAAAGGGTCCCCT-3'
Protein context (NP_056356.2, residues 856-876): VVRTEGGPQA[Asn866Ser]GHIESNGVCP